The following is an entry in ClinVar:

NM_000222.3(KIT):c.2422A>T (p.Ile808Phe)

Gene: KIT (KIT proto-oncogene, receptor tyrosine kinase; plus strand). Cytogenetic location: 4q12.
Variant type: single nucleotide variant.
Coding change: c.2422A>T on transcript NM_000222.3 (MANE Select); coding-DNA position 2422, A replaced by T.
Protein change: p.Ile808Phe; replaces isoleucine 808 with phenylalanine.
Molecular consequence: missense variant.
Genome position (GRCh38, 1-based): chr4:54,733,130, A>T. VCF-style: chr4-54733130-A-T. GRCh37 (hg19) VCF-style: chr4-55599296-A-T.
Other names: c.2410A>T, p.Ile804Phe (NM_001093772.2, NM_001385292.1); c.2425A>T, p.Ile809Phe (NM_001385284.1); c.2419A>T, p.Ile807Phe (NM_001385285.1); c.2407A>T, p.Ile803Phe (NM_001385286.1); c.2413A>T, p.Ile805Phe (NM_001385288.1); c.2422A>T, p.Ile808Phe (NM_001385290.1); short protein forms I803F, I804F, I805F, I807F, I808F, I809F.
Identifiers: ClinVar variation 2579851 (VCV002579851.1), dbSNP rs2475571790, ClinGen allele CA356911715.

ClinVar aggregate classification (germline): Likely pathogenic (1 of 4 stars; one submission).

Submission:

GeneDx
Classification: Likely pathogenic. Last evaluated: 2023-04-25. Review status: criteria provided, single submitter. Criteria: GeneDx Variant Classification Process June 2021. Collection method: clinical testing. Allele origin: germline. Affected: yes.
Comment: Not observed at significant frequency in large population cohorts (gnomAD); In silico analysis supports that this missense variant has a deleterious effect on protein structure/function; Has not been previously published as pathogenic or benign to our knowledge